The following is an entry in ClinVar:

ClinVar aggregate classification (germline): Uncertain significance. Review status: criteria provided, single submitter (1 of 4 stars). 2 submissions from 2 submitters: Uncertain significance (1). 1 of the submissions does not count toward it. Last evaluated 2022-12-06.

Conditions:
Ehlers-Danlos syndrome, classic type, 1 (EDSCL1). Also called: Ehlers-Danlos Syndrome, Classic Type, COL5A1-Related; EDS I; Ehlers-Danlos syndrome, type 1; EHLERS-DANLOS SYNDROME, GRAVIS TYPE; EHLERS-DANLOS SYNDROME, SEVERE CLASSIC TYPE. Identifiers: MedGen C0268335, MONDO:0019567, OMIM 130000.

Allele frequency attached by ClinVar (database versions not stated): TOPMed below 0.00001.

Submissions (2):

Labcorp Genetics (formerly Invitae), Labcorp
Classification: Uncertain significance for Ehlers-Danlos syndrome, classic type, 1. Last evaluated: 2022-12-06. Review status: criteria provided, single submitter. Criteria: Invitae Variant Classification Sherloc (09022015). Collection method: clinical testing. Allele origin: germline.
Comment: Advanced modeling of protein sequence and biophysical properties (such as structural, functional, and spatial information, amino acid conservation, physicochemical variation, residue mobility, and thermodynamic stability) performed at Invitae indicates that this missense variant is expected to disrupt COL5A1 protein function. ClinVar contains an entry for this variant (Variation ID: 591255). This variant has not been reported in the literature in individuals affected with COL5A1-related conditions. This variant is not present in population databases (gnomAD no frequency). This sequence change replaces glycine, which is neutral and non-polar, with valine, which is neutral and non-polar, at codon 1456 of the COL5A1 protein (p.Gly1456Val). In summary, the available evidence is currently insufficient to determine the role of this variant in disease. Therefore, it has been classified as a Variant of Uncertain Significance. This variant disrupts the triple helix domain of COL5A1. Glycine residues within the Gly-Xaa-Yaa repeats of the triple helix domain are required for the structure and stability of fibrillar collagens (PMID: 7695699, 8218237, 19344236), and variants at these glycine residues in COL5A1 are more frequently observed in individuals with disease than in the general population (PMID: 22696272, 23587214). However, the clinical significance of this observation remains uncertain since only a limited number of affected individuals have been described to date.

Gharavi Laboratory, Columbia University
Classification: Uncertain significance. Last evaluated: 2018-09-16. Review status: no assertion criteria provided. Criteria: ACMG Guidelines, 2015. Collection method: research. Allele origin: germline. Affected: yes. Not counted in ClinVar's aggregate classification.

Literature cited by the submitters: PubMed 7695699 (cited by Labcorp Genetics (formerly Invitae), Labcorp); PubMed 8218237 (cited by Labcorp Genetics (formerly Invitae), Labcorp); PubMed 19344236 (cited by Labcorp Genetics (formerly Invitae), Labcorp); PubMed 22696272 (cited by Labcorp Genetics (formerly Invitae), Labcorp); PubMed 23587214 (cited by Labcorp Genetics (formerly Invitae), Labcorp).

NM_000093.5(COL5A1):c.4367G>T (p.Gly1456Val)

Gene: COL5A1 (collagen type V alpha 1 chain; plus strand). Cytogenetic location: 9q34.3.
Variant type: single nucleotide variant.
Coding change: c.4367G>T on transcript NM_000093.5 (MANE Select); coding-DNA position 4367, G replaced by T.
Protein change: p.Gly1456Val; replaces glycine 1456 with valine.
Molecular consequence: missense variant.
Genome position (GRCh38, 1-based): chr9:134,818,876, G>T. VCF-style: chr9-134818876-G-T. GRCh37 (hg19) VCF-style: chr9-137710722-G-T.
Other names: c.4367G>T, p.Gly1456Val (NM_001278074.1); short protein forms G1456V.
Identifiers: ClinVar variation 591255 (VCV000591255.11), dbSNP rs1564481157, ClinGen allele CA375457412.